The following is an entry in ClinVar:

ClinVar aggregate classification (germline): Uncertain significance (1 of 4 stars; one submission).

Submission:

GeneDx
Classification: Uncertain significance. Last evaluated: 2025-05-07. Review status: criteria provided, single submitter. Criteria: GeneDx Variant Classification Process June 2021. Collection method: clinical testing. Allele origin: germline. Affected: yes.
Comment: Not observed at significant frequency in large population cohorts (gnomAD); In silico analysis supports a deleterious effect on splicing; Has not been previously published as pathogenic or benign to our knowledge

NM_001303052.2(MYT1L):c.153-14_153-13insG

Gene: MYT1L (myelin transcription factor 1 like; minus strand). Cytogenetic location: 2p25.3.
Variant type: Insertion.
Coding change: c.153-14_153-13insG on transcript NM_001303052.2 (MANE Select); 14 bases into the intron before coding-DNA position 153 through 13 bases into the intron before coding-DNA position 153, G inserted.
Molecular consequence: intron variant.
Genome position: GRCh38 VCF-style: chr2-1943347-A-AC. GRCh37 (hg19) VCF-style: chr2-1947119-A-AC.
Other names: c.153-14_153-13insG (NM_015025.4, NM_001329844.2, NM_001329847.2 and 6 more transcripts).
Identifiers: ClinVar variation 4527902 (VCV004527902.1).